The following is an entry in ClinVar:

ClinVar aggregate classification (germline): Likely benign. Review status: criteria provided, multiple submitters, no conflicts (2 of 4 stars). 3 submissions from 3 submitters: Likely benign (3). Last evaluated 2023-11-01.

Allele frequency attached by ClinVar (database versions not stated): 1000 Genomes Project 30x 0.00156; 1000 Genomes Project 0.00160; gnomAD exomes 0.00215 and 0.00379; ExAC 0.00223; gnomAD 0.00227 and 0.00237; TOPMed 0.00250; ESP Exome Variant Server 0.00324.
gnomAD v4.1: 5,828 of 1,613,834 alleles (0.36%); highest among the groups gnomAD compares: Non-Finnish European, 0.45%; 15 homozygotes.

Submissions (3):

CeGaT Center for Human Genetics Tuebingen
Classification: Likely benign. Last evaluated: 2023-11-01. Review status: criteria provided, single submitter. Criteria: CeGaT Center For Human Genetics Tuebingen Variant Classification Criteria Version 2. Collection method: clinical testing. Allele origin: germline. Affected: yes. Observed: 2 variant alleles.
Comment: CLTCL1: BP4, BS2

Labcorp Genetics (formerly Invitae), Labcorp
Classification: Likely benign. Last evaluated: 2019-12-31. Review status: criteria provided, single submitter. Criteria: Invitae Variant Classification Sherloc (09022015). Collection method: clinical testing. Allele origin: germline.

Breakthrough Genomics
Classification: Likely benign. Review status: criteria provided, single submitter. Criteria: ACMG Guidelines, 2015. Collection method: not provided. Allele origin: germline. Inheritance: Unknown mechanism. Affected: yes.

NM_007098.4(CLTCL1):c.313G>A (p.Ala105Thr)

Gene: CLTCL1 (clathrin heavy chain like 1; minus strand). Cytogenetic location: 22q11.21.
Variant type: single nucleotide variant.
Coding change: c.313G>A on transcript NM_007098.4 (MANE Select); coding-DNA position 313, G replaced by A.
Protein change: p.Ala105Thr; replaces alanine 105 with threonine.
Molecular consequence: missense variant.
Genome position (GRCh38, 1-based): chr22:19,254,165, C>T on the plus strand (G>A on the coding strand, the complement: CLTCL1 is on the minus strand). VCF-style: chr22-19254165-C-T. GRCh37 (hg19) VCF-style: chr22-19241688-C-T.
Other names: c.313G>A, p.Ala105Thr (NM_001835.4); short protein forms A105T.
Identifiers: ClinVar variation 782350 (VCV000782350.29), dbSNP rs143629284, ClinGen allele CA10099018.